The following is an entry in ClinVar:

NM_194248.3(OTOF):c.898-18G>A

Gene: OTOF (otoferlin; minus strand). Cytogenetic location: 2p23.3.
Variant type: single nucleotide variant.
Coding change: c.898-18G>A on transcript NM_194248.3 (MANE Select); 18 bases into the intron before coding-DNA position 898, G replaced by A.
Molecular consequence: intron variant.
Genome position (GRCh38, 1-based): chr2:26,489,758, C>T on the plus strand (G>A on the coding strand, the complement: OTOF is on the minus strand). VCF-style: chr2-26489758-C-T. GRCh37 (hg19) VCF-style: chr2-26712626-C-T.
Other names: c.898-18G>A (NM_001287489.2).
Identifiers: ClinVar variation 3777008 (VCV003777008.2).

ClinVar aggregate classification (germline): Pathogenic (1 of 4 stars; one submission).

Conditions:
Autosomal recessive nonsyndromic hearing loss 9. Also called: NEUROSENSORY NONSYNDROMIC RECESSIVE DEAFNESS 9; OTOF-Related Hearing Loss; Deafness, autosomal recessive 9; AUDITORY NEUROPATHY, AUTOSOMAL RECESSIVE, 1, TEMPERATURE-SENSITIVE. Identifiers: Orphanet 90636, MedGen C1832828, MONDO:0010986, OMIM 601071.

gnomAD v4.1: 1 of 1,607,166 alleles (0.000062%); no homozygotes.

Submission:

Laboratory of Prof. Karen Avraham, Tel Aviv University
Classification: Pathogenic for Autosomal recessive nonsyndromic hearing loss 9. Review status: criteria provided, single submitter. Criteria: ACMG Guidelines, 2015. Collection method: research. Allele origin: germline, not applicable. Inheritance: Autosomal recessive inheritance. Affected: yes. Observed: 1 compound heterozygote. Functional consequence: effect on RNA splicing.
Comment: A minigene assay for OTOF c.898-18G>A variant (located 18 bp from splice junction - intron 9) was performed. Sequencing of RT-PCR products showed skipping of OTOF exon 10 in the mutant minigene. However, in the RT-PCR product of the WT sample, two splicing transcripts were amplified, with and without exon 10. It is known that OTOF has long and short isoforms and that exon 10 is not present in the short one. Previous reports demonstrated that the expression of the OTOF long isoforms is required for the auditory function (reviewed in PMID: 33256196). This confirms the pathogenicity of OTOF c.898-18G>A variant, which leads to the skipping of exon 10, resulting in deafness.

Literature cited by the submitters: PubMed 33256196.